The following is an entry in ClinVar:

NM_000158.4(GBE1):c.213A>C (p.Arg71Ser)

Gene: GBE1 (1,4-alpha-glucan branching enzyme 1; minus strand). Cytogenetic location: 3p12.2.
Variant type: single nucleotide variant.
Coding change: c.213A>C on transcript NM_000158.4 (MANE Select); coding-DNA position 213, A replaced by C.
Protein change: p.Arg71Ser; replaces arginine 71 with serine.
Molecular consequence: missense variant.
Genome position (GRCh38, 1-based): chr3:81,705,544, T>G on the plus strand (A>C on the coding strand, the complement: GBE1 is on the minus strand). VCF-style: chr3-81705544-T-G. GRCh37 (hg19) VCF-style: chr3-81754695-T-G.
Other names: short protein forms R71S.
Identifiers: ClinVar variation 1061761 (VCV001061761.3), dbSNP rs755590449, ClinGen allele CA2500032.

ClinVar aggregate classification (germline): Uncertain significance. Review status: criteria provided, single submitter (1 of 4 stars). 2 submissions from 2 submitters: Uncertain significance (1). 1 of the submissions does not count toward it. Last evaluated 2021-12-02.

Conditions:
Glycogen storage disease, type IV (GSD4). Also called: Glycogen storage disease due to glycogen branching enzyme deficiency; AMYLOPECTINOSIS; ANDERSEN DISEASE; BRANCHER DEFICIENCY; CIRRHOSIS, FAMILIAL, WITH DEPOSITION OF ABNORMAL GLYCOGEN; GBE1 DEFICIENCY. Identifiers: Orphanet 367, MedGen C0017923, MONDO:0009292, OMIM 232500.
Glycogen storage disease IV, classic hepatic. Also called: GSD IV, CLASSIC HEPATIC. Identifiers: MedGen C1856301.

Allele frequency attached by ClinVar (database versions not stated): gnomAD exomes 0.00001; ExAC 0.00002.
gnomAD v4.1: 18 of 1,595,494 alleles (0.0011%); highest among the groups gnomAD compares: Non-Finnish European, 0.0015%; no homozygotes.

Submissions (2):

Labcorp Genetics (formerly Invitae), Labcorp
Classification: Uncertain significance for Glycogen storage disease, type IV; Glycogen storage disease IV, classic hepatic. Last evaluated: 2021-12-02. Review status: criteria provided, single submitter. Criteria: Invitae Variant Classification Sherloc (09022015). Collection method: clinical testing. Allele origin: germline.
Comment: This sequence change replaces arginine, which is basic and polar, with serine, which is neutral and polar, at codon 71 of the GBE1 protein (p.Arg71Ser). This variant is present in population databases (rs755590449, gnomAD 0.002%). This variant has not been reported in the literature in individuals affected with GBE1-related conditions. ClinVar contains an entry for this variant (Variation ID: 1061761). Advanced modeling of protein sequence and biophysical properties (such as structural, functional, and spatial information, amino acid conservation, physicochemical variation, residue mobility, and thermodynamic stability) performed at Invitae indicates that this missense variant is not expected to disrupt GBE1 protein function. In summary, the available evidence is currently insufficient to determine the role of this variant in disease. Therefore, it has been classified as a Variant of Uncertain Significance.

Natera, Inc.
Classification: Uncertain significance for Glycogen storage disease type IV. Last evaluated: 2021-02-05. Review status: no assertion criteria provided. Collection method: clinical testing. Allele origin: germline. Not counted in ClinVar's aggregate classification.